The following is an entry in ClinVar:

ClinVar aggregate classification (germline): Uncertain significance (1 of 4 stars; one submission).

Conditions:
TRIM63-related disorder. Also called: TRIM63-related condition.

gnomAD v4.1: 136 of 1,613,502 alleles (0.0084%); highest among the groups gnomAD compares: Non-Finnish European, 0.01%; no homozygotes.

Submission:

PreventionGenetics, part of Exact Sciences
Classification: Uncertain significance for TRIM63-related condition. Last evaluated: 2026-05-04. Review status: criteria provided, single submitter. Criteria: ACMG Guidelines, 2015. Collection method: clinical testing. Allele origin: germline.
Comment: The TRIM63 c.334C>T variant is predicted to result in the amino acid substitution p.Arg112Trp. To our knowledge, this variant has not been reported in the literature. This variant is reported in 0.013% of alleles in individuals of South Asian descent in gnomAD. At this time, the clinical significance of this variant is uncertain due to the absence of conclusive functional and genetic evidence.

NM_032588.4(TRIM63):c.334C>T (p.Arg112Trp)

Gene: TRIM63 (tripartite motif containing 63; minus strand). Cytogenetic location: 1p36.11.
Variant type: single nucleotide variant.
Coding change: c.334C>T on transcript NM_032588.4 (MANE Select); coding-DNA position 334, C replaced by T.
Protein change: p.Arg112Trp; replaces arginine 112 with tryptophan.
Molecular consequence: missense variant.
Genome position (GRCh38, 1-based): chr1:26,061,333, G>A on the plus strand (C>T on the coding strand, the complement: TRIM63 is on the minus strand). VCF-style: chr1-26061333-G-A. GRCh37 (hg19) VCF-style: chr1-26387824-G-A.
Other names: short protein forms R112W.
Identifiers: ClinVar variation 4977239 (VCV004977239.1).